The following is an entry in ClinVar:

ClinVar aggregate classification (germline): Uncertain significance. Review status: criteria provided, multiple submitters, no conflicts (2 of 4 stars). 2 submissions from 2 submitters: Uncertain significance (2). Last evaluated 2025-05-28.

Conditions:
Haddad syndrome (OHD). Also called: Ondine-Hirschsprung disease. Identifiers: Orphanet 99803, MedGen C1859049, MONDO:0020493.
Hereditary cancer-predisposing syndrome. Also called: Hereditary neoplastic syndrome; Hereditary Cancer Syndrome; Tumor predisposition; Neoplastic Syndromes, Hereditary. Identifiers: Orphanet 140162, MedGen C0027672, MeSH D009386, MONDO:0015356.

Submissions (2):

Ambry Genetics
Classification: Uncertain significance for Hereditary cancer-predisposing syndrome. Last evaluated: 2025-05-28. Review status: criteria provided, single submitter. Criteria: Ambry Variant Classification Scheme 2023. Collection method: clinical testing. Allele origin: germline.
Comment: The p.R115T variant (also known as c.344G>C), located in coding exon 2 of the PHOX2B gene, results from a G to C substitution at nucleotide position 344. The arginine at codon 115 is replaced by threonine, an amino acid with similar properties. This amino acid position is highly conserved in available vertebrate species. In addition, this alteration is predicted to be deleterious by in silico analysis. Based on the available evidence, the clinical significance of this variant remains unclear.

Labcorp Genetics (formerly Invitae), Labcorp
Classification: Uncertain significance for Haddad syndrome. Last evaluated: 2021-09-24. Review status: criteria provided, single submitter. Criteria: Invitae Variant Classification Sherloc (09022015). Collection method: clinical testing. Allele origin: germline.
Comment: This sequence change replaces arginine with threonine at codon 115 of the PHOX2B protein (p.Arg115Thr). The arginine residue is highly conserved and there is a moderate physicochemical difference between arginine and threonine. In summary, the available evidence is currently insufficient to determine the role of this variant in disease. Therefore, it has been classified as a Variant of Uncertain Significance. Algorithms developed to predict the effect of missense changes on protein structure and function (SIFT, PolyPhen-2, Align-GVGD) all suggest that this variant is likely to be disruptive. This variant has not been reported in the literature in individuals affected with PHOX2B-related conditions. This variant is not present in population databases (ExAC no frequency).

NM_003924.4(PHOX2B):c.344G>C (p.Arg115Thr)

Gene: PHOX2B (paired like homeobox 2B; minus strand). Cytogenetic location: 4p13.
Variant type: single nucleotide variant.
Coding change: c.344G>C on transcript NM_003924.4 (MANE Select); coding-DNA position 344, G replaced by C.
Protein change: p.Arg115Thr; replaces arginine 115 with threonine.
Molecular consequence: missense variant.
Genome position (GRCh38, 1-based): chr4:41,747,434, C>G on the plus strand (G>C on the coding strand, the complement: PHOX2B is on the minus strand). VCF-style: chr4-41747434-C-G. GRCh37 (hg19) VCF-style: chr4-41749451-C-G.
Other names: short protein forms R115T.
Identifiers: ClinVar variation 1519147 (VCV001519147.9), dbSNP rs1347766910, ClinGen allele CA356740195.